The following is an entry in ClinVar:

NM_001367624.2(ZNF469):c.664G>A (p.Gly222Ser)

Gene: ZNF469 (zinc finger protein 469; plus strand). Cytogenetic location: 16q24.2.
Variant type: single nucleotide variant.
Coding change: c.664G>A on transcript NM_001367624.2 (MANE Select); coding-DNA position 664, G replaced by A.
Protein change: p.Gly222Ser; replaces glycine 222 with serine.
Molecular consequence: missense variant.
Genome position (GRCh38, 1-based): chr16:88,428,134, G>A. VCF-style: chr16-88428134-G-A. GRCh37 (hg19) VCF-style: chr16-88494542-G-A.
Other names: NM_001127464.1:c.664G>A; short protein forms G222S.
Identifiers: ClinVar variation 1211018 (VCV001211018.7), dbSNP rs975247998, ClinGen allele CA286371834.

ClinVar aggregate classification (germline): Conflicting classifications of pathogenicity. Review status: criteria provided, conflicting classifications (1 of 4 stars). 3 submissions from 3 submitters: Uncertain significance (1); Likely benign (2). Last evaluated 2023-02-23.

Conditions:
Cardiovascular phenotype. Identifiers: MedGen CN230736.

Allele frequency attached by ClinVar (database versions not stated): gnomAD 0.00002; TOPMed 0.00002.
gnomAD v4.1: 21 of 1,549,938 alleles (0.0014%); highest among the groups gnomAD compares: Middle Eastern, 0.017%; no homozygotes.

Submissions (3):

GeneDx
Classification: Uncertain significance. Last evaluated: 2023-02-23. Review status: criteria provided, single submitter. Criteria: GeneDx Variant Classification Process June 2021. Collection method: clinical testing. Allele origin: germline. Affected: yes.
Comment: Has not been previously published as pathogenic or benign to our knowledge; Not observed at significant frequency in large population cohorts (gnomAD); In silico analysis supports that this missense variant does not alter protein structure/function

Blueprint Genetics
Classification: Likely benign. Last evaluated: 2022-08-16. Review status: criteria provided, single submitter. Criteria: ACMG Guidelines, 2015. Collection method: clinical testing. Allele origin: germline.

Ambry Genetics
Classification: Likely benign for Cardiovascular phenotype. Last evaluated: 2021-10-07. Review status: criteria provided, single submitter. Criteria: Ambry Variant Classification Scheme 2023. Collection method: clinical testing. Allele origin: germline.